The following is an entry in ClinVar:

ClinVar aggregate classification (germline): Uncertain significance (1 of 4 stars; one submission).

Conditions:
46 XY differences of sex development. Also called: 46, XY disorder of sex development (DSD); 46,XY disorder of sex development. Identifiers: Orphanet 98085, MedGen C2751824, MONDO:0020040.
Oligosynaptic infertility (SPGF1). Also called: SPERMATOGENIC FAILURE 1; OLIGOCHIASMATIC INFERTILITY. Identifiers: MedGen C0403810, MONDO:0009776, OMIM 258150.

Submission:

Labcorp Genetics (formerly Invitae), Labcorp
Classification: Uncertain significance for 46 XY differences of sex development; Oligosynaptic infertility. Last evaluated: 2025-01-23. Review status: criteria provided, single submitter. Criteria: Invitae Variant Classification Sherloc (09022015). Collection method: clinical testing. Allele origin: germline.
Comment: This sequence change replaces phenylalanine, which is neutral and non-polar, with leucine, which is neutral and non-polar, at codon 262 of the NR5A1 protein (p.Phe262Leu). This variant is not present in population databases (gnomAD no frequency). This variant has not been reported in the literature in individuals affected with NR5A1-related conditions. Invitae Evidence Modeling of protein sequence and biophysical properties (such as structural, functional, and spatial information, amino acid conservation, physicochemical variation, residue mobility, and thermodynamic stability) has been performed for this missense variant. However, the output from this modeling did not meet the statistical confidence thresholds required to predict the impact of this variant on NR5A1 protein function. In summary, the available evidence is currently insufficient to determine the role of this variant in disease. Therefore, it has been classified as a Variant of Uncertain Significance.

NM_004959.5(NR5A1):c.786C>G (p.Phe262Leu)

Gene: NR5A1 (nuclear receptor subfamily 5 group A member 1; minus strand). Cytogenetic location: 9q33.3.
Variant type: single nucleotide variant.
Coding change: c.786C>G on transcript NM_004959.5 (MANE Select); coding-DNA position 786, C replaced by G.
Protein change: p.Phe262Leu; replaces phenylalanine 262 with leucine.
Molecular consequence: missense variant.
Genome position (GRCh38, 1-based): chr9:124,500,174, G>C on the plus strand (C>G on the coding strand, the complement: NR5A1 is on the minus strand). VCF-style: chr9-124500174-G-C. GRCh37 (hg19) VCF-style: chr9-127262453-G-C.
Other names: short protein forms F262L.
Identifiers: ClinVar variation 3759108 (VCV003759108.2).
Genomic context (GRCh38, chr9:124,500,174, plus strand): 5'-CCTGCGTGCCCAGTCCACGATGGAGATGAAGGTCTGGTCGGCCATTCTGCACAGGAGGCC[G>C]AAGGCCGCCGGCTGGTCGGGGCGGCTTTTGGTGGGCTCCTGCAGGCAGCCCAAGATGCGG-3'
Protein context (NP_004950.2, residues 252-272): TKSRPDQPAA[Phe262Leu]GLLCRMADQT